The following is an entry in ClinVar:

NM_015354.3(NUP188):c.1759C>T (p.Leu587=)

Gene: NUP188 (nucleoporin 188; plus strand). Cytogenetic location: 9q34.11.
Variant type: single nucleotide variant.
Coding change: c.1759C>T on transcript NM_015354.3 (MANE Select); coding-DNA position 1759, C replaced by T.
Protein change: p.Leu587=; no amino-acid change (leucine 587 retained).
Molecular consequence: synonymous variant.
Genome position (GRCh38, 1-based): chr9:128,982,991, C>T. VCF-style: chr9-128982991-C-T. GRCh37 (hg19) VCF-style: chr9-131745270-C-T.
Identifiers: ClinVar variation 3040580 (VCV003040580.2), dbSNP rs1842278333, ClinGen allele CA467488974.

ClinVar aggregate classification (germline): Likely benign (0 of 4 stars; one submission).

Conditions:
NUP188-related disorder. Also called: NUP188-related condition.

Allele frequency attached by ClinVar (database versions not stated): gnomAD exomes below 0.00001; gnomAD 0.00002.
gnomAD v4.1: 8 of 1,614,184 alleles (0.0005%); highest among the groups gnomAD compares: Middle Eastern, 0.016%; no homozygotes.

Submission:

PreventionGenetics, part of Exact Sciences
Classification: Likely benign for NUP188-related condition. Last evaluated: 2019-09-18. Review status: no assertion criteria provided. Collection method: clinical testing. Allele origin: germline.
Comment: This variant is classified as likely benign based on ACMG/AMP sequence variant interpretation guidelines (Richards et al. 2015 PMID: 25741868, with internal and published modifications).